The following is an entry in ClinVar:

ClinVar aggregate classification (germline): Uncertain significance. Review status: criteria provided, multiple submitters, no conflicts (2 of 4 stars). 2 submissions from 2 submitters: Uncertain significance (2). Last evaluated 2024-08-28.

Conditions:
Cardiovascular phenotype. Identifiers: MedGen CN230736.
Dilated cardiomyopathy 1KK (CMD1KK). Identifiers: Orphanet 154, Orphanet 75249, MedGen C3714995, MONDO:0014100, OMIM 615248.

Allele frequency attached by ClinVar (database versions not stated): gnomAD 0.00001; TOPMed 0.00002.
gnomAD v4.1: 2 of 1,613,948 alleles (0.00012%); highest among the groups gnomAD compares: African/African-American, 0.0027%; no homozygotes.

Submissions (2):

Ambry Genetics
Classification: Uncertain significance for Cardiovascular phenotype. Last evaluated: 2024-08-28. Review status: criteria provided, single submitter. Criteria: Ambry Variant Classification Scheme 2023. Collection method: clinical testing. Allele origin: germline.

Labcorp Genetics (formerly Invitae), Labcorp
Classification: Uncertain significance for Dilated cardiomyopathy 1KK. Last evaluated: 2022-08-23. Review status: criteria provided, single submitter. Criteria: Invitae Variant Classification Sherloc (09022015). Collection method: clinical testing. Allele origin: germline.
Comment: In summary, the available evidence is currently insufficient to determine the role of this variant in disease. Therefore, it has been classified as a Variant of Uncertain Significance. Algorithms developed to predict the effect of missense changes on protein structure and function output the following: SIFT: "Tolerated"; PolyPhen-2: "Benign"; Align-GVGD: "Class C0". The glycine amino acid residue is found in multiple mammalian species, which suggests that this missense change does not adversely affect protein function. ClinVar contains an entry for this variant (Variation ID: 948305). This variant has not been reported in the literature in individuals affected with MYPN-related conditions. This variant is not present in population databases (gnomAD no frequency). This sequence change replaces serine, which is neutral and polar, with glycine, which is neutral and non-polar, at codon 741 of the MYPN protein (p.Ser741Gly).

NM_032578.4(MYPN):c.2221A>G (p.Ser741Gly)

Gene: MYPN (myopalladin; plus strand). Cytogenetic location: 10q21.3.
Variant type: single nucleotide variant.
Coding change: c.2221A>G on transcript NM_032578.4 (MANE Select); coding-DNA position 2221, A replaced by G.
Protein change: p.Ser741Gly; replaces serine 741 with glycine.
Molecular consequence: missense variant. On other transcripts: non-coding transcript variant (2).
Genome position (GRCh38, 1-based): chr10:68,174,313, A>G. VCF-style: chr10-68174313-A-G. GRCh37 (hg19) VCF-style: chr10-69934070-A-G.
Other names: c.2221A>G, p.Ser741Gly (NM_001256267.2); c.1339A>G, p.Ser447Gly (NM_001256268.2); c.2221A>G (NM_032578.2); short protein forms S447G, S741G.
Identifiers: ClinVar variation 948305 (VCV000948305.10), dbSNP rs2043191140, ClinGen allele CA376845469.